The following is an entry in ClinVar:

ClinVar aggregate classification (germline): Uncertain significance (1 of 4 stars; one submission).

Conditions:
Inborn genetic diseases. Identifiers: MedGen C0950123, MeSH D030342.

gnomAD v4.1: 7 of 1,561,050 alleles (0.00045%); highest among the groups gnomAD compares: South Asian, 0.0047%; no homozygotes.

Submission:

Ambry Genetics
Classification: Uncertain significance for Inborn genetic diseases. Last evaluated: 2024-12-07. Review status: criteria provided, single submitter. Criteria: Ambry Variant Classification Scheme 2023. Collection method: clinical testing. Allele origin: germline.
Comment: The p.A12T variant (also known as c.34G>A), located in coding exon 1 of the G6PC3 gene, results from a G to A substitution at nucleotide position 34. The alanine at codon 12 is replaced by threonine, an amino acid with similar properties. This amino acid position is conserved. In addition, the in silico prediction for this alteration is inconclusive. Based on the available evidence, the clinical significance of this variant remains unclear.

NM_138387.4(G6PC3):c.34G>A (p.Ala12Thr)

Gene: G6PC3 (glucose-6-phosphatase catalytic subunit 3; plus strand). Cytogenetic location: 17q21.31.
Variant type: single nucleotide variant.
Coding change: c.34G>A on transcript NM_138387.4 (MANE Select); coding-DNA position 34, G replaced by A.
Protein change: p.Ala12Thr; replaces alanine 12 with threonine.
Molecular consequence: missense variant. On other transcripts: 5 prime UTR variant (3), intron variant (1).
Genome position (GRCh38, 1-based): chr17:44,070,999, G>A. VCF-style: chr17-44070999-G-A. GRCh37 (hg19) VCF-style: chr17-42148367-G-A.
Other names: c.34G>A, p.Ala12Thr (NM_001319945.2); c.-371G>A (NM_001384165.1); c.-506G>A (NM_001384166.1); c.-496G>A (NM_001384167.1); c.-312+285G>A (NM_001384168.1); short protein forms A12T.
Identifiers: ClinVar variation 3518076 (VCV003518076.1).